The following is an entry in ClinVar:

NM_001605.3(AARS1):c.1545C>G (p.Phe515Leu)

Gene: AARS1 (alanyl-tRNA synthetase 1; minus strand). Cytogenetic location: 16q22.1.
Variant type: single nucleotide variant.
Coding change: c.1545C>G on transcript NM_001605.3 (MANE Select); coding-DNA position 1545, C replaced by G.
Protein change: p.Phe515Leu; replaces phenylalanine 515 with leucine.
Molecular consequence: missense variant.
Genome position (GRCh38, 1-based): chr16:70,262,472, G>C on the plus strand (C>G on the coding strand, the complement: AARS1 is on the minus strand). VCF-style: chr16-70262472-G-C. GRCh37 (hg19) VCF-style: chr16-70296375-G-C.
Other names: short protein forms F515L.
Identifiers: ClinVar variation 3636116 (VCV003636116.2).

ClinVar aggregate classification (germline): Uncertain significance (1 of 4 stars; one submission).

Conditions:
Charcot-Marie-Tooth disease type 2. Also called: Charcot-Marie-Tooth type 2. Identifiers: Orphanet 64746, MedGen C0270914, MONDO:0018993.

gnomAD v4.1: 2 of 1,614,134 alleles (0.00012%); highest among the groups gnomAD compares: Non-Finnish European, 0.00017%; no homozygotes.

Submission:

Labcorp Genetics (formerly Invitae), Labcorp
Classification: Uncertain significance for Charcot-Marie-Tooth disease type 2. Last evaluated: 2024-07-19. Review status: criteria provided, single submitter. Criteria: Invitae Variant Classification Sherloc (09022015). Collection method: clinical testing. Allele origin: germline.
Comment: This sequence change replaces phenylalanine, which is neutral and non-polar, with leucine, which is neutral and non-polar, at codon 515 of the AARS protein (p.Phe515Leu). This variant is not present in population databases (gnomAD no frequency). This variant has not been reported in the literature in individuals affected with AARS-related conditions. Advanced modeling of protein sequence and biophysical properties (such as structural, functional, and spatial information, amino acid conservation, physicochemical variation, residue mobility, and thermodynamic stability) performed at Invitae indicates that this missense variant is not expected to disrupt AARS protein function with a negative predictive value of 95%. In summary, the available evidence is currently insufficient to determine the role of this variant in disease. Therefore, it has been classified as a Variant of Uncertain Significance.